The following is an entry in ClinVar:

ClinVar aggregate classification (germline): Uncertain significance. Review status: criteria provided, multiple submitters, no conflicts (2 of 4 stars). 2 submissions from 2 submitters: Uncertain significance (2). Last evaluated 2025-06-15.

Conditions:
Inborn genetic diseases. Identifiers: MedGen C0950123, MeSH D030342.

gnomAD v4.1: 6 of 1,607,722 alleles (0.00037%); highest among the groups gnomAD compares: Admixed American, 0.0033%; no homozygotes.

Submissions (2):

Ambry Genetics
Classification: Uncertain significance for Inborn genetic diseases. Last evaluated: 2025-06-15. Review status: criteria provided, single submitter. Criteria: Ambry Variant Classification Scheme 2023. Collection method: clinical testing. Allele origin: germline.
Comment: The p.L851M variant (also known as c.2551T>A), located in coding exon 22 of the ANKRD26 gene, results from a T to A substitution at nucleotide position 2551. The leucine at codon 851 is replaced by methionine, an amino acid with highly similar properties. This amino acid position is conserved. In addition, this alteration is predicted to be tolerated by in silico analysis. Based on the available evidence, the clinical significance of this variant remains unclear.

GeneDx
Classification: Uncertain significance. Last evaluated: 2024-05-07. Review status: criteria provided, single submitter. Criteria: GeneDx Variant Classification Process June 2021. Collection method: clinical testing. Allele origin: germline. Affected: yes.
Comment: Not observed at significant frequency in large population cohorts (gnomAD); In silico analysis indicates that this missense variant does not alter protein structure/function; Has not been previously published as pathogenic or benign to our knowledge

NM_014915.3(ANKRD26):c.2551T>A (p.Leu851Met)

Gene: ANKRD26 (ankyrin repeat domain containing 26; minus strand). Cytogenetic location: 10p12.1.
Variant type: single nucleotide variant.
Coding change: c.2551T>A on transcript NM_014915.3 (MANE Select); coding-DNA position 2551, T replaced by A.
Protein change: p.Leu851Met; replaces leucine 851 with methionine.
Molecular consequence: missense variant.
Genome position (GRCh38, 1-based): chr10:27,037,879, A>T on the plus strand (T>A on the coding strand, the complement: ANKRD26 is on the minus strand). VCF-style: chr10-27037879-A-T. GRCh37 (hg19) VCF-style: chr10-27326808-A-T.
Other names: c.2548T>A, p.Leu850Met (NM_001256053.2); short protein forms L850M, L851M.
Identifiers: ClinVar variation 3375636 (VCV003375636.2).